The following is an entry in ClinVar:

ClinVar aggregate classification (germline): Uncertain significance (1 of 4 stars; one submission).

Allele frequency attached by ClinVar (database versions not stated): gnomAD exomes 0.00001 and 0.00002; ExAC 0.00002; gnomAD 0.00003 and 0.00004; TOPMed 0.00003.
gnomAD v4.1: 10 of 1,614,068 alleles (0.00062%); highest among the groups gnomAD compares: African/African-American, 0.011%; no homozygotes.

Submission:

Labcorp Genetics (formerly Invitae), Labcorp
Classification: Uncertain significance. Last evaluated: 2024-08-30. Review status: criteria provided, single submitter. Criteria: Invitae Variant Classification Sherloc (09022015). Collection method: clinical testing. Allele origin: germline.
Comment: This sequence change replaces glutamic acid, which is acidic and polar, with aspartic acid, which is acidic and polar, at codon 465 of the AHR protein (p.Glu465Asp). This variant is present in population databases (rs781613408, gnomAD 0.02%). This variant has not been reported in the literature in individuals affected with AHR-related conditions. ClinVar contains an entry for this variant (Variation ID: 1517281). An algorithm developed to predict the effect of missense changes on protein structure and function (PolyPhen-2) suggests that this variant¬†is likely to be tolerated. In summary, the available evidence is currently insufficient to determine the role of this variant in disease. Therefore, it has been classified as a Variant of Uncertain Significance.

NM_001621.5(AHR):c.1395G>T (p.Glu465Asp)

Gene: AHR (aryl hydrocarbon receptor; plus strand). Cytogenetic location: 7p21.1.
Variant type: single nucleotide variant.
Coding change: c.1395G>T on transcript NM_001621.5 (MANE Select); coding-DNA position 1395, G replaced by T.
Protein change: p.Glu465Asp; replaces glutamic acid 465 with aspartic acid.
Molecular consequence: missense variant.
Genome position (GRCh38, 1-based): chr7:17,339,220, G>T. VCF-style: chr7-17339220-G-T. GRCh37 (hg19) VCF-style: chr7-17378844-G-T.
Other names: short protein forms E465D.
Identifiers: ClinVar variation 1517281 (VCV001517281.7), dbSNP rs781613408, ClinGen allele CA4172101.